The following is an entry in ClinVar:

ClinVar aggregate classification (germline): Uncertain significance. Review status: criteria provided, multiple submitters, no conflicts (2 of 4 stars). 6 submissions from 6 submitters: Uncertain significance (6). Last evaluated 2024-09-24.

Conditions:
Hereditary cancer-predisposing syndrome. Also called: Tumor predisposition; Neoplastic Syndromes, Hereditary; Hereditary Cancer Syndrome; Hereditary neoplastic syndrome. Identifiers: Orphanet 140162, MedGen C0027672, MeSH D009386, MONDO:0015356.
Microcephaly, normal intelligence and immunodeficiency (NBS). Also called: IMMUNODEFICIENCY, MICROCEPHALY, AND CHROMOSOMAL INSTABILITY; BERLIN BREAKAGE SYNDROME; Nijmegen breakage syndrome; Microcephaly with normal intelligence immunodeficiency and lymphoreticular malignancies; Nonsyndromal microcephaly autosomal recessive with normal intelligence; Seemanova syndrome 2. Identifiers: Orphanet 647, MedGen C0398791, MONDO:0009623, OMIM 251260.

Allele frequency attached by ClinVar (database versions not stated): gnomAD exomes below 0.00001 and 0.00001; TOPMed below 0.00001.
gnomAD v4.1: 5 of 1,612,846 alleles (0.00031%); highest among the groups gnomAD compares: Non-Finnish European, 0.00042%; no homozygotes.

Submissions (6):

Labcorp Genetics (formerly Invitae), Labcorp
Classification: Uncertain significance for Microcephaly, normal intelligence and immunodeficiency. Last evaluated: 2024-09-24. Review status: criteria provided, single submitter. Criteria: Invitae Variant Classification Sherloc (09022015). Collection method: clinical testing. Allele origin: germline.
Comment: This sequence change replaces arginine, which is basic and polar, with glycine, which is neutral and non-polar, at codon 482 of the NBN protein (p.Arg482Gly). The frequency data for this variant in the population databases is considered unreliable, as metrics indicate poor data quality at this position in the gnomAD database. This missense change has been observed in individual(s) with breast cancer (PMID: 26976419). ClinVar contains an entry for this variant (Variation ID: 363913). An algorithm developed to predict the effect of missense changes on protein structure and function (PolyPhen-2) suggests that this variant is likely to be disruptive. In summary, the available evidence is currently insufficient to determine the role of this variant in disease. Therefore, it has been classified as a Variant of Uncertain Significance.

Ambry Genetics
Classification: Uncertain significance for Hereditary cancer-predisposing syndrome. Last evaluated: 2024-06-06. Review status: criteria provided, single submitter. Criteria: Ambry Variant Classification Scheme 2023. Collection method: clinical testing. Allele origin: germline.
Comment: The p.R482G variant (also known as c.1444A>G), located in coding exon 11 of the NBN gene, results from an A to G substitution at nucleotide position 1444. The arginine at codon 482 is replaced by glycine, an amino acid with dissimilar properties. This alteration has been reported in a cohort of 488 patients with stages I to III breast cancer who were tested with a 25-gene panel test (Tung N et al. J. Clin. Oncol., 2016 May;34:1460-8). This amino acid position is well conserved in available vertebrate species. In addition, this alteration is predicted to be tolerated by in silico analysis. Since supporting evidence is limited at this time, the clinical significance of this alteration remains unclear.

Blueprint Genetics
Classification: Uncertain significance. Last evaluated: 2023-10-03. Review status: criteria provided, single submitter. Criteria: ACMG Guidelines, 2015. Collection method: clinical testing. Allele origin: germline.

Genome-Nilou Lab
Classification: Uncertain significance for Microcephaly, normal intelligence and immunodeficiency. Last evaluated: 2021-11-07. Review status: criteria provided, single submitter. Criteria: ACMG Guidelines, 2015. Collection method: clinical testing. Allele origin: germline. Affected: no.

Women's Health and Genetics/Laboratory Corporation of America, LabCorp
Classification: Uncertain significance. Last evaluated: 2019-01-29. Review status: criteria provided, single submitter. Criteria: LabCorp Variant Classification Summary - May 2015. Collection method: clinical testing. Allele origin: germline.
Comment: Variant summary: NBN c.1444A>G (p.Arg482Gly) results in a non-conservative amino acid change in the encoded protein sequence. Three of five in-silico tools predict a damaging effect of the variant on protein function. The variant was absent in 244814 control chromosomes (gnomAD). The available data on variant occurrences in the general population are insufficient to allow any conclusion about variant significance. c.1444A>G has been reported in the literature in an individual affected with Hereditary Breast and Ovarian Cancer (Tung 2016). This report does not provide unequivocal conclusions about association of the variant with Hereditary Breast and Ovarian Cancer. To our knowledge, no experimental evidence demonstrating an impact on protein function has been reported. Three ClinVar submissions from clinical diagnostic laboratories (evaluation after 2014) cite the variant as uncertain significance. Based on the evidence outlined above, the variant was classified as uncertain significance.

Illumina Laboratory Services, Illumina
Classification: Uncertain significance for Microcephaly, normal intelligence and immunodeficiency. Last evaluated: 2018-01-12. Review status: criteria provided, single submitter. Criteria: ICSL Variant Classification Criteria 13 December 2019. Collection method: clinical testing. Allele origin: germline.

Literature cited by the submitters: PubMed 26976419 (cited by 3 submitters).

NM_002485.5(NBN):c.1444A>G (p.Arg482Gly)

Gene: NBN (nibrin; minus strand). Cytogenetic location: 8q21.3.
Variant type: single nucleotide variant.
Coding change: c.1444A>G on transcript NM_002485.5 (MANE Select); coding-DNA position 1444, A replaced by G.
Protein change: p.Arg482Gly; replaces arginine 482 with glycine.
Molecular consequence: missense variant.
Genome position (GRCh38, 1-based): chr8:89,953,645, T>C on the plus strand (A>G on the coding strand, the complement: NBN is on the minus strand). VCF-style: chr8-89953645-T-C. GRCh37 (hg19) VCF-style: chr8-90965873-T-C.
Other names: c.1198A>G, p.Arg400Gly (NM_001024688.3); short protein forms R482G, R400G.
Identifiers: ClinVar variation 363913 (VCV000363913.21), dbSNP rs886063168, ClinGen allele CA10631650.